The following is an entry in ClinVar:

NM_000492.4(CFTR):c.179A>G (p.Glu60Gly)

Genes: CFTR (CF transmembrane conductance regulator; plus strand), LOC113664106 (CFTR intron 2 DNase I hypersensitive site; plus strand). Cytogenetic location: 7q31.2.
Variant type: single nucleotide variant.
Coding change: c.179A>G on transcript NM_000492.4 (MANE Select); coding-DNA position 179, A replaced by G.
Protein change: p.Glu60Gly; replaces glutamic acid 60 with glycine.
Molecular consequence: missense variant.
Genome position (GRCh38, 1-based): chr7:117,509,048, A>G. VCF-style: chr7-117509048-A-G. GRCh37 (hg19) VCF-style: chr7-117149102-A-G.
Other names: short protein forms E60G.
Identifiers: ClinVar variation 4064643 (VCV004064643.2).

ClinVar aggregate classification (germline): Likely pathogenic (1 of 4 stars; one submission).

Conditions:
CFTR-related disorder (CFTR-RD). Also called: CFTR-related disorders; CFTR-related condition. Identifiers: MedGen C5924204, MONDO:7770004.

Submission:

Natera, Inc.
Classification: Likely pathogenic for CFTR-related disorders. Last evaluated: 2025-01-13. Review status: criteria provided, single submitter. Criteria: Natera Variant Classification Schema (03/2026). Collection method: clinical testing. Allele origin: germline.
Comment: The c.179A>G variant in CFTR is a missense variant predicted to cause substitution of glutamic acid to glycine at amino acid 60. This variant is rare in the general population with a frequency below the threshold expected for the associated phenotype(s). This variant has been observed in one or more individuals affected with the associated recessive disease, as either homozygous or compound heterozygous with a second variant (PMID: 36752109). A different variant at the same position has been determined to be Pathogenic or Likely Pathogenic. Computational prediction algorithms indicate this variant is likely to affect gene or protein function. Given the available evidence, this variant is classified as Likely Pathogenic.

Literature cited by the submitters: PubMed 36752109.